The following is an entry in ClinVar:

NM_022455.5(NSD1):c.3119_3122dup (p.Asn1041fs)

Gene: NSD1 (nuclear receptor binding SET domain protein 1; plus strand). Cytogenetic location: 5q35.3.
Variant type: Duplication.
Coding change: c.3119_3122dup on transcript NM_022455.5 (MANE Select); coding-DNA positions 3119 to 3122, 4 bases duplicated (AGAA; older notation c.3119_3122dupAGAA).
Protein change: p.Asn1041fs; shifts the reading frame from asparagine 1041.
Molecular consequence: frameshift variant.
Genome position (GRCh38, 1-based): chr5:177,211,518-177,211,521, AGAA duplicated; duplicating any 4 consecutive bases within chr5:177,211,516-177,211,521 gives the same sequence; the c. name uses the placement nearest the transcript's 3' end. VCF-style (leftmost placement, unchanged base first): chr5-177211515-T-TAAAG. GRCh37 (hg19) VCF-style: chr5-176638516-T-TAAAG.
Other names: c.3119_3122dup, p.Asn1041fs (NM_001409303.1, NM_001409301.1, NM_001409302.1); c.2699_2702dup, p.Asn901fs (NM_001409304.1); c.2366_2369dup, p.Asn790fs (NM_001409305.1); c.2246_2249dup, p.Asn750fs (NM_001409306.1, NM_001409307.1, NM_001409308.1 and 3 more transcripts); short protein forms N790fs, N1041fs, N901fs, N750fs.
Identifiers: ClinVar variation 3686586 (VCV003686586.2).

ClinVar aggregate classification (germline): Pathogenic (1 of 4 stars; one submission).

Submission:

Labcorp Genetics (formerly Invitae), Labcorp
Classification: Pathogenic. Last evaluated: 2023-02-24. Review status: criteria provided, single submitter. Criteria: Invitae Variant Classification Sherloc (09022015). Collection method: clinical testing. Allele origin: germline.
Comment: For these reasons, this variant has been classified as Pathogenic. This variant has not been reported in the literature in individuals affected with NSD1-related conditions. This variant is not present in population databases (gnomAD no frequency). This sequence change creates a premature translational stop signal (p.Asn1041Lysfs*7) in the NSD1 gene. It is expected to result in an absent or disrupted protein product. Loss-of-function variants in NSD1 are known to be pathogenic (PMID: 12464997, 14571271, 15942875, 16247291).

Literature cited by the submitters: PubMed 12464997; PubMed 14571271; PubMed 15942875; PubMed 16247291.